The following is an entry in ClinVar:

ClinVar aggregate classification (germline): Uncertain significance (1 of 4 stars; one submission).

Submission:

GeneDx
Classification: Uncertain significance. Last evaluated: 2024-09-03. Review status: criteria provided, single submitter. Criteria: GeneDx Variant Classification Process June 2021. Collection method: clinical testing. Allele origin: germline. Affected: yes.
Comment: Not observed at significant frequency in large population cohorts (gnomAD); In silico analysis indicates that this missense variant does not alter protein structure/function; Has not been previously published as pathogenic or benign to our knowledge

NM_001395159.1(UNC79):c.2944C>G (p.Leu982Val)

Gene: UNC79 (unc-79 homolog, NALCN channel complex subunit; plus strand). Cytogenetic location: 14q32.12.
Variant type: single nucleotide variant.
Coding change: c.2944C>G on transcript NM_001395159.1 (MANE Select); coding-DNA position 2944, C replaced by G.
Protein change: p.Leu982Val; replaces leucine 982 with valine.
Molecular consequence: missense variant.
Genome position (GRCh38, 1-based): chr14:93,586,820, C>G. VCF-style: chr14-93586820-C-G. GRCh37 (hg19) VCF-style: chr14-94053166-C-G.
Other names: c.2944C>G, p.Leu982Val (NM_001346218.2); c.2413C>G, p.Leu805Val (NM_020818.5); short protein forms L805V, L982V.
Identifiers: ClinVar variation 3765940 (VCV003765940.1).
Genomic context (GRCh38, chr14:93,586,820, plus strand): 5'-GAAATGGCTAAGTTTGAAGAGCCAGACATTCTTTTTAATATGCTCAATTGCCTGAAGATT[C>G]TCTGTCTGCATGGAGAATGTTTATACATTGCCAGAAAAGATCACCCTCAATTTTTAGCCT-3'
Protein context (NP_001382088.1, residues 972-992): LFNMLNCLKI[Leu982Val]CLHGECLYIA